The following is an entry in ClinVar:

ClinVar aggregate classification (germline): Conflicting classifications of pathogenicity. Review status: criteria provided, conflicting classifications (1 of 4 stars). 7 submissions from 7 submitters: Uncertain significance (4); Likely benign (2). 1 of the submissions does not count toward it. Last evaluated 2025-04-15.

Conditions:
Spastic paraplegia. Identifiers: MedGen C0037772, HP:0001258.
SACS-related disorder. Also called: SACS-related condition.
Hereditary spastic paraplegia. Also called: Familial spastic paraparesis. Identifiers: Orphanet 685, MedGen C0037773, MONDO:0019064. Disease mechanism: loss of function.

Allele frequency attached by ClinVar (database versions not stated): ESP Exome Variant Server 0.00046; gnomAD 0.00054 and 0.00057; TOPMed 0.00054; 1000 Genomes Project 30x 0.00109; 1000 Genomes Project 0.00120.
gnomAD v4.1: 258 of 1,613,020 alleles (0.016%); highest among the groups gnomAD compares: African/African-American, 0.18%; no homozygotes.

Submissions (7):

Mayo Clinic Laboratories, Mayo Clinic
Classification: Uncertain significance. Last evaluated: 2025-04-15. Review status: criteria provided, single submitter. Criteria: ACMG Guidelines, 2015. Collection method: clinical testing. Allele origin: germline. Observed: 1 variant allele.
Comment: BS1

Labcorp Genetics (formerly Invitae), Labcorp
Classification: Likely benign for Spastic paraplegia. Last evaluated: 2025-02-11. Review status: criteria provided, single submitter. Criteria: Invitae Variant Classification Sherloc (09022015). Collection method: clinical testing. Allele origin: germline.

Blueprint Genetics
Classification: Uncertain significance. Last evaluated: 2024-08-06. Review status: criteria provided, single submitter. Criteria: ACMG Guidelines, 2015. Collection method: clinical testing. Allele origin: germline.

GeneDx
Classification: Uncertain significance. Last evaluated: 2022-04-15. Review status: criteria provided, single submitter. Criteria: GeneDx Variant Classification Process June 2021. Collection method: clinical testing. Allele origin: germline. Affected: yes.
Comment: In silico analysis supports that this missense variant does not alter protein structure/function; Has not been previously published as pathogenic or benign to our knowledge

Athena Diagnostics
Classification: Likely benign. Last evaluated: 2021-01-19. Review status: criteria provided, single submitter. Criteria: Athena Diagnostics criteria. Collection method: clinical testing. Allele origin: unknown.

Genome Diagnostics Laboratory, The Hospital for Sick Children
Classification: Uncertain significance for Hereditary spastic paraplegia. Last evaluated: 2020-01-02. Review status: criteria provided, single submitter. Criteria: ACMG Guidelines, 2015. Collection method: clinical testing. Allele origin: germline. Affected: yes.

PreventionGenetics, part of Exact Sciences
Classification: Likely benign for SACS-related condition. Last evaluated: 2023-11-06. Review status: no assertion criteria provided. Collection method: clinical testing. Allele origin: germline. Not counted in ClinVar's aggregate classification.
Comment: This variant is classified as likely benign based on ACMG/AMP sequence variant interpretation guidelines (Richards et al. 2015 PMID: 25741868, with internal and published modifications).

NM_014363.6(SACS):c.4985C>T (p.Thr1662Met)

Gene: SACS (sacsin molecular chaperone; minus strand). Cytogenetic location: 13q12.12.
Variant type: single nucleotide variant.
Coding change: c.4985C>T on transcript NM_014363.6 (MANE Select); coding-DNA position 4985, C replaced by T.
Protein change: p.Thr1662Met; replaces threonine 1662 with methionine.
Molecular consequence: missense variant.
Genome position (GRCh38, 1-based): chr13:23,338,891, G>A on the plus strand (C>T on the coding strand, the complement: SACS is on the minus strand). VCF-style: chr13-23338891-G-A. GRCh37 (hg19) VCF-style: chr13-23913030-G-A.
Other names: p.Thr1662Met; c.4544C>T, p.Thr1515Met (NM_001278055.2); short protein forms T1662M, T1515M.
Identifiers: ClinVar variation 586433 (VCV000586433.24), dbSNP rs139387396, ClinGen allele CA6911313.